The following is an entry in ClinVar:

ClinVar aggregate classification (germline): Conflicting classifications of pathogenicity. Review status: criteria provided, conflicting classifications (1 of 4 stars). 7 submissions from 6 submitters: Uncertain significance (2); Likely benign (4). 1 of the submissions does not count toward it. Last evaluated 2025-07-16.

Conditions:
DYNC1H1-related disorder. Also called: DYNC1H1-related condition; DYNC1H1-related disorders. Identifiers: MedGen CN381529.
Charcot-Marie-Tooth disease axonal type 2O. Also called: CHARCOT-MARIE-TOOTH NEUROPATHY, AXONAL, TYPE 2O; CHARCOT-MARIE-TOOTH DISEASE, AXONAL, AUTOSOMAL DOMINANT, TYPE 2O; Charcot-Marie-Tooth Neuropathy Type 2O; Charcot-Marie-Tooth disease, axonal, type 20. Identifiers: Orphanet 284232, MedGen C3280220, MONDO:0013644, OMIM 614228.
Autosomal dominant cerebellar ataxia. Also called: Spinocerebellar Ataxia, Dominant. Identifiers: Orphanet 99, MedGen C4087347, MONDO:0020380.
Inborn genetic diseases. Identifiers: MedGen C0950123, MeSH D030342.

Allele frequency attached by ClinVar (database versions not stated): gnomAD 0.00001; ExAC 0.00002; TOPMed 0.00003; gnomAD exomes 0.00004; 1000 Genomes Project 30x 0.00016; 1000 Genomes Project 0.00020.
gnomAD v4.1: 34 of 1,614,100 alleles (0.0021%); highest among the groups gnomAD compares: Middle Eastern, 0.016%; no homozygotes.

Submissions (7):

Labcorp Genetics (formerly Invitae), Labcorp
Classification: Likely benign for Charcot-Marie-Tooth disease axonal type 2O. Last evaluated: 2025-07-16. Review status: criteria provided, single submitter. Criteria: Invitae Variant Classification Sherloc (09022015). Collection method: clinical testing. Allele origin: germline.

Blueprint Genetics
Classification: Likely benign. Last evaluated: 2021-06-14. Review status: criteria provided, single submitter. Criteria: ACMG Guidelines, 2015. Collection method: clinical testing. Allele origin: germline.

GeneDx
Classification: Likely benign. Last evaluated: 2020-11-11. Review status: criteria provided, single submitter. Criteria: GeneDx Variant Classification Process June 2021. Collection method: clinical testing. Allele origin: germline. Affected: yes.

Illumina Laboratory Services, Illumina
Classification: Uncertain significance for Charcot-Marie-Tooth disease axonal type 2O. Last evaluated: 2018-01-13. Review status: criteria provided, single submitter. Criteria: ICSL Variant Classification Criteria 13 December 2019. Collection method: clinical testing. Allele origin: germline.

Illumina Laboratory Services, Illumina
Classification: Uncertain significance for Spinocerebellar Ataxia, Dominant. Last evaluated: 2018-01-13. Review status: criteria provided, single submitter. Criteria: ICSL Variant Classification Criteria 13 December 2019. Collection method: clinical testing. Allele origin: germline.

Ambry Genetics
Classification: Likely benign for Inborn genetic diseases. Last evaluated: 2016-10-19. Review status: criteria provided, single submitter. Criteria: Ambry Variant Classification Scheme 2023. Collection method: clinical testing. Allele origin: germline.

PreventionGenetics, part of Exact Sciences
Classification: Likely benign for DYNC1H1-related condition. Last evaluated: 2019-06-07. Review status: no assertion criteria provided. Collection method: clinical testing. Allele origin: germline. Not counted in ClinVar's aggregate classification.
Comment: This variant is classified as likely benign based on ACMG/AMP sequence variant interpretation guidelines (Richards et al. 2015 PMID: 25741868, with internal and published modifications).

NM_001376.5(DYNC1H1):c.12705G>A (p.Pro4235=)

Gene: DYNC1H1 (dynein cytoplasmic 1 heavy chain 1; plus strand). Cytogenetic location: 14q32.31.
Variant type: single nucleotide variant.
Coding change: c.12705G>A on transcript NM_001376.5 (MANE Select); coding-DNA position 12705, G replaced by A.
Protein change: p.Pro4235=; no amino-acid change (proline 4235 retained).
Molecular consequence: synonymous variant.
Genome position (GRCh38, 1-based): chr14:102,044,294, G>A. VCF-style: chr14-102044294-G-A. GRCh37 (hg19) VCF-style: chr14-102510631-G-A.
Identifiers: ClinVar variation 312657 (VCV000312657.27), dbSNP rs199792795, ClinGen allele CA7354020.